The following is an entry in ClinVar:

ClinVar aggregate classification (germline): Likely benign. Review status: criteria provided, multiple submitters, no conflicts (2 of 4 stars). 2 submissions from 2 submitters: Likely benign (2). Last evaluated 2025-01-05.

Conditions:
Intellectual developmental disorder, autosomal dominant 6, with or without seizures. Also called: Intellectual disability, autosomal dominant 6; GRIN2B-related developmental delay, intellectual disability and autism spectrum disorder. Identifiers: Orphanet 589547, MedGen C3151411, MONDO:0013509, OMIM 613970.
Developmental and epileptic encephalopathy, 27 (DEE27). Also called: Epileptic encephalopathy, early infantile, 27; GRIN2B-Related Neurodevelopmental Disorder. Identifiers: Orphanet 3451, MedGen C4015316, MONDO:0014505, OMIM 616139.

Allele frequency attached by ClinVar (database versions not stated): TOPMed 0.00003; gnomAD exomes 0.00004 and 0.00011; ExAC 0.00005; gnomAD 0.00005 and 0.00006; ESP Exome Variant Server 0.00015.
gnomAD v4.1: 174 of 1,613,386 alleles (0.011%); highest among the groups gnomAD compares: Non-Finnish European, 0.014%; no homozygotes.

Submissions (2):

Labcorp Genetics (formerly Invitae), Labcorp
Classification: Likely benign for Developmental and epileptic encephalopathy, 27; Intellectual developmental disorder, autosomal dominant 6, with or without seizures. Last evaluated: 2025-01-05. Review status: criteria provided, single submitter. Criteria: Invitae Variant Classification Sherloc (09022015). Collection method: clinical testing. Allele origin: germline.

GeneDx
Classification: Likely benign. Last evaluated: 2017-02-09. Review status: criteria provided, single submitter. Criteria: GeneDx Variant Classification (06012015). Collection method: clinical testing. Allele origin: germline. Affected: yes.
Comment: This variant is considered likely benign or benign based on one or more of the following criteria: it is a conservative change, it occurs at a poorly conserved position in the protein, it is predicted to be benign by multiple in silico algorithms, and/or has population frequency not consistent with disease.

NM_000834.5(GRIN2B):c.2017A>C (p.Arg673=)

Gene: GRIN2B (glutamate ionotropic receptor NMDA type subunit 2B; minus strand). Cytogenetic location: 12p13.1.
Variant type: single nucleotide variant.
Coding change: c.2017A>C on transcript NM_000834.5 (MANE Select); coding-DNA position 2017, A replaced by C.
Protein change: p.Arg673=; no amino-acid change (arginine 673 retained).
Molecular consequence: synonymous variant.
Genome position (GRCh38, 1-based): chr12:13,571,958, T>G on the plus strand (A>C on the coding strand, the complement: GRIN2B is on the minus strand). VCF-style: chr12-13571958-T-G. GRCh37 (hg19) VCF-style: chr12-13724892-T-G.
Identifiers: ClinVar variation 246462 (VCV000246462.12), dbSNP rs149279923, ClinGen allele CA6461127.